The following is an entry in ClinVar:

NM_001127898.4(CLCN5):c.1537A>G (p.Ile513Val)

Gene: CLCN5 (Cl-/H+ antiporter 5; plus strand). Cytogenetic location: Xp11.23.
Variant type: single nucleotide variant.
Coding change: c.1537A>G on transcript NM_001127898.4 (MANE Select); coding-DNA position 1537, A replaced by G.
Protein change: p.Ile513Val; replaces isoleucine 513 with valine.
Molecular consequence: missense variant.
Genome position (GRCh38, 1-based): chrX:50,086,850, A>G. VCF-style: chrX-50086850-A-G. GRCh37 (hg19) VCF-style: chrX-49851507-A-G.
Other names: c.1327A>G, p.Ile443Val (NM_000084.5); c.1537A>G, p.Ile513Val (NM_001127899.4); c.1387A>G, p.Ile463Val (NM_001282163.2); c.1327A>G (NM_000084.2); short protein forms I443V, I463V, I513V.
Identifiers: ClinVar variation 1444552 (VCV001444552.8), dbSNP rs1210108844, ClinGen allele CA413186578.

ClinVar aggregate classification (germline): Uncertain significance. Review status: criteria provided, multiple submitters, no conflicts (2 of 4 stars). 3 submissions from 3 submitters: Uncertain significance (3). Last evaluated 2025-03-27.

Conditions:
Inborn genetic diseases. Identifiers: MedGen C0950123, MeSH D030342.
Dent disease type 1 (DENT1). Also called: NEPHROLITHIASIS 2; NEPHROLITHIASIS, HYPERCALCIURIC, X-LINKED. Identifiers: Orphanet 1652, Orphanet 93622, MedGen C1848336, MONDO:0010225, OMIM 300009.
X-linked recessive nephrolithiasis with renal failure (XRN). Also called: NEPHROLITHIASIS 1; NEPHROLITHIASIS, X-LINKED RECESSIVE, TYPE 1; UROLITHIASIS, X-LINKED RECESSIVE, TYPE 1. Identifiers: Orphanet 1652, Orphanet 93622, MedGen C0403720, MONDO:0010687, OMIM 310468.
Proteinuria, low molecular weight, with hypercalciuria and nephrocalcinosis. Identifiers: Orphanet 1652, Orphanet 93622, MedGen C1839874, MONDO:0010644, OMIM 308990.
Hypophosphatemic rickets, X-linked recessive (XLHRR). Identifiers: Orphanet 1652, Orphanet 93622, MedGen C1845168, MONDO:0010358, OMIM 300554.

Allele frequency attached by ClinVar (database versions not stated): gnomAD exomes 0.00001; gnomAD 0.00002; TOPMed 0.00002.
gnomAD v4.1: 11 of 1,209,000 alleles (0.00091%); highest among the groups gnomAD compares: East Asian, 0.0059%; no homozygotes.

Submissions (3):

Labcorp Genetics (formerly Invitae), Labcorp
Classification: Uncertain significance. Last evaluated: 2025-03-27. Review status: criteria provided, single submitter. Criteria: Invitae Variant Classification Sherloc (09022015). Collection method: clinical testing. Allele origin: germline.
Comment: This sequence change replaces isoleucine, which is neutral and non-polar, with valine, which is neutral and non-polar, at codon 443 of the CLCN5 protein (p.Ile443Val). This variant is present in population databases (no rsID available, gnomAD 0.001%). This variant has not been reported in the literature in individuals affected with CLCN5-related conditions. ClinVar contains an entry for this variant (Variation ID: 1444552). Invitae Evidence Modeling of protein sequence and biophysical properties (such as structural, functional, and spatial information, amino acid conservation, physicochemical variation, residue mobility, and thermodynamic stability) indicates that this missense variant is not expected to disrupt CLCN5 protein function with a negative predictive value of 80%. In summary, the available evidence is currently insufficient to determine the role of this variant in disease. Therefore, it has been classified as a Variant of Uncertain Significance.

Ambry Genetics
Classification: Uncertain significance for Inborn genetic diseases. Last evaluated: 2025-01-15. Review status: criteria provided, single submitter. Criteria: Ambry Variant Classification Scheme 2023. Collection method: clinical testing. Allele origin: germline.

Fulgent Genetics
Classification: Uncertain significance for Dent disease type 1; Hypophosphatemic rickets, X-linked recessive; Proteinuria, low molecular weight, with hypercalciuria and nephrocalcinosis; X-linked recessive nephrolithiasis with renal failure. Last evaluated: 2021-11-10. Review status: criteria provided, single submitter. Criteria: ACMG Guidelines, 2015. Collection method: clinical testing. Allele origin: unknown.